The following is an entry in ClinVar:

ClinVar aggregate classification (germline): Likely pathogenic. Review status: criteria provided, multiple submitters, no conflicts (2 of 4 stars). 2 submissions from 2 submitters: Likely pathogenic (2). Last evaluated 2026-01-07.

Conditions:
Galactosylceramide beta-galactosidase deficiency. Also called: Leukodystrophy, Globoid Cell; Krabbe Disease; GALACTOCEREBROSIDASE DEFICIENCY; GALC DEFICIENCY; GLOBOID CELL LEUKOENCEPHALOPATHY. Identifiers: Orphanet 487, MedGen C0023521, MONDO:0009499, OMIM 245200.

Submissions (2):

Natera, Inc.
Classification: Likely pathogenic for Galactosylceramide beta-galactosidase deficiency. Last evaluated: 2026-01-07. Review status: criteria provided, single submitter. Criteria: Natera Variant Classification Schema (03/2026). Collection method: clinical testing. Allele origin: germline.
Comment: The c.1161+2T>A variant in GALC is a canonical splice donor site variant predicted to affect pre-mRNA splicing, which may result in an abnormal transcript and altered protein product. This variant is expected to result in nonsense mediated decay, truncation, or a dysfunctional protein product. This variant is rare in the general population with a frequency below the threshold expected for the associated phenotype(s). Given the available evidence, this variant is classified as Likely Pathogenic.

Labcorp Genetics (formerly Invitae), Labcorp
Classification: Likely pathogenic for Galactosylceramide beta-galactosidase deficiency. Last evaluated: 2023-05-17. Review status: criteria provided, single submitter. Criteria: Invitae Variant Classification Sherloc (09022015). Collection method: clinical testing. Allele origin: germline.
Comment: This variant is not present in population databases (gnomAD no frequency). This sequence change affects a donor splice site in intron 10 of the GALC gene. It is expected to disrupt RNA splicing. Variants that disrupt the donor or acceptor splice site typically lead to a loss of protein function (PMID: 16199547), and loss-of-function variants in GALC are known to be pathogenic (PMID: 7437911, 9272171, 16607461). This variant has not been reported in the literature in individuals affected with GALC-related conditions. In summary, the currently available evidence indicates that the variant is pathogenic, but additional data are needed to prove that conclusively. Therefore, this variant has been classified as Likely Pathogenic. Algorithms developed to predict the effect of sequence changes on RNA splicing suggest that this variant may disrupt the consensus splice site.

Literature cited by the submitters: PubMed 16199547 (cited by Labcorp Genetics (formerly Invitae), Labcorp); PubMed 7437911 (cited by Labcorp Genetics (formerly Invitae), Labcorp); PubMed 9272171 (cited by Labcorp Genetics (formerly Invitae), Labcorp); PubMed 16607461 (cited by Labcorp Genetics (formerly Invitae), Labcorp).

NM_000153.4(GALC):c.1161+2T>A

Gene: GALC (galactosylceramidase; minus strand). Cytogenetic location: 14q31.3.
Variant type: single nucleotide variant.
Coding change: c.1161+2T>A on transcript NM_000153.4 (MANE Select); the canonical splice donor site of the intron after coding-DNA position 1161, T replaced by A.
Molecular consequence: splice donor variant.
Genome position (GRCh38, 1-based): chr14:87,963,382, A>T on the plus strand (T>A on the coding strand, the complement: GALC is on the minus strand). VCF-style: chr14-87963382-A-T. GRCh37 (hg19) VCF-style: chr14-88429726-A-T.
Other names: c.528+2T>A (NM_001424076.1, NM_001424077.1); c.1083+2T>A (NM_001201402.2); c.1092+2T>A (NM_001201401.2); c.813+2T>A (NM_001424075.1, NM_001424074.1); c.993+2T>A (NM_001424072.1, NM_001424073.1, NM_001424071.1); c.1161+2T>A (NM_000153.3).
Identifiers: ClinVar variation 2865236 (VCV002865236.4), dbSNP rs398123175, ClinGen allele CA390747112.